The following is an entry in ClinVar:

NM_033026.6(PCLO):c.12587T>C (p.Ile4196Thr)

Gene: PCLO (piccolo presynaptic cytomatrix protein; minus strand). Cytogenetic location: 7q21.11.
Variant type: single nucleotide variant.
Coding change: c.12587T>C on transcript NM_033026.6 (MANE Select); coding-DNA position 12587, T replaced by C.
Protein change: p.Ile4196Thr; replaces isoleucine 4196 with threonine.
Molecular consequence: missense variant.
Genome position (GRCh38, 1-based): chr7:82,915,399, A>G on the plus strand (T>C on the coding strand, the complement: PCLO is on the minus strand). VCF-style: chr7-82915399-A-G. GRCh37 (hg19) VCF-style: chr7-82544715-A-G.
Other names: c.12587T>C, p.Ile4196Thr (NM_014510.3); short protein forms I4196T.
Identifiers: ClinVar variation 4627091 (VCV004627091.1).

ClinVar aggregate classification (germline): Uncertain significance (1 of 4 stars; one submission).

Conditions:
Inborn genetic diseases. Identifiers: MedGen C0950123, MeSH D030342.

gnomAD v4.1: 13 of 1,613,494 alleles (0.00081%); highest among the groups gnomAD compares: South Asian, 0.0066%; no homozygotes.

Submission:

Ambry Genetics
Classification: Uncertain significance for Inborn genetic diseases. Last evaluated: 2025-10-07. Review status: criteria provided, single submitter. Criteria: Ambry Variant Classification Scheme 2023. Collection method: clinical testing. Allele origin: germline.
Comment: The c.12587T>C (p.I4196T) alteration is located in exon 7 (coding exon 7) of the PCLO gene. This alteration results from a T to C substitution at nucleotide position 12587, causing the isoleucine (I) at amino acid position 4196 to be replaced by a threonine (T). Based on data from gnomAD, the C allele has an overall frequency of 0.002% (5/279686) total alleles studied. The highest observed frequency was 0.01% (3/30594) of South Asian alleles. Based on insufficient or conflicting evidence, the clinical significance of this alteration remains unclear.